The following is an entry in ClinVar:

NM_144573.4(NEXN):c.314G>C (p.Arg105Thr)

Genes: NEXN (nexilin F-actin binding protein; plus strand), LOC126805765 (BRD4-independent group 4 enhancer GRCh37_chr1:78383688-78384887; plus strand). Cytogenetic location: 1p31.1.
Variant type: single nucleotide variant.
Coding change: c.314G>C on transcript NM_144573.4 (MANE Select); coding-DNA position 314, G replaced by C.
Protein change: p.Arg105Thr; replaces arginine 105 with threonine.
Molecular consequence: missense variant.
Genome position (GRCh38, 1-based): chr1:77,918,140, G>C. VCF-style: chr1-77918140-G-C. GRCh37 (hg19) VCF-style: chr1-78383825-G-C.
Other names: c.122G>C, p.Arg41Thr (NM_001172309.2); short protein forms R105T, R41T.
Identifiers: ClinVar variation 2024892 (VCV002024892.4), dbSNP rs751378631, ClinGen allele CA918617.

ClinVar aggregate classification (germline): Uncertain significance (1 of 4 stars; one submission).

Conditions:
Dilated cardiomyopathy 1CC (CMD1CC). Identifiers: Orphanet 154, MedGen C2751084, MONDO:0013147, OMIM 613122.
Hypertrophic cardiomyopathy 20. Identifiers: MedGen C3151267, MONDO:0013477, OMIM 613876.

Allele frequency attached by ClinVar (database versions not stated): ExAC 0.00002.
gnomAD v4.1: 3 of 1,613,972 alleles (0.00019%); highest among the groups gnomAD compares: Admixed American, 0.005%; no homozygotes.

Submission:

Labcorp Genetics (formerly Invitae), Labcorp
Classification: Uncertain significance for Dilated cardiomyopathy 1CC; Hypertrophic cardiomyopathy 20. Last evaluated: 2021-12-02. Review status: criteria provided, single submitter. Criteria: Invitae Variant Classification Sherloc (09022015). Collection method: clinical testing. Allele origin: germline.
Comment: In summary, the available evidence is currently insufficient to determine the role of this variant in disease. Therefore, it has been classified as a Variant of Uncertain Significance. Algorithms developed to predict the effect of missense changes on protein structure and function (SIFT, PolyPhen-2, Align-GVGD) all suggest that this variant is likely to be tolerated. This variant has not been reported in the literature in individuals affected with NEXN-related conditions. This variant is present in population databases (rs751378631, gnomAD 0.006%). This sequence change replaces arginine, which is basic and polar, with threonine, which is neutral and polar, at codon 105 of the NEXN protein (p.Arg105Thr).